The following is an entry in ClinVar:

ClinVar aggregate classification (germline): Uncertain significance (1 of 4 stars; one submission).

Allele frequency attached by ClinVar (database versions not stated): TOPMed below 0.00001; gnomAD 0.00001.
gnomAD v4.1: 1 of 1,608,552 alleles (0.000062%); highest among the groups gnomAD compares: Non-Finnish European, 0.000085%; no homozygotes.

Submission:

Quest Diagnostics Nichols Institute San Juan Capistrano
Classification: Uncertain significance. Last evaluated: 2023-02-10. Review status: criteria provided, single submitter. Criteria: Quest Diagnostics criteria. Collection method: clinical testing. Allele origin: unknown.
Comment: This variant has not been reported in the published literature. It also has not been reported in large, multi-ethnic general populations. Analysis of this variant using bioinformatics tools for the prediction of the effect of amino acid changes on protein structure and function yielded predictions that this variant is benign. Based on the available information, we are unable to determine the clinical significance of this variant.

NM_000059.4(BRCA2):c.1880C>A (p.Ala627Glu)

Gene: BRCA2 (BRCA2 DNA repair associated; plus strand). Cytogenetic location: 13q13.1.
Variant type: single nucleotide variant.
Coding change: c.1880C>A on transcript NM_000059.4 (MANE Select); coding-DNA position 1880, C replaced by A.
Protein change: p.Ala627Glu; replaces alanine 627 with glutamic acid.
Molecular consequence: missense variant. On other transcripts: non-coding transcript variant (1), intron variant (1).
Genome position (GRCh38, 1-based): chr13:32,333,358, C>A. VCF-style: chr13-32333358-C-A. GRCh37 (hg19) VCF-style: chr13-32907495-C-A.
Other names: c.1880C>A, p.Ala627Glu (NM_001406719.1, NM_001406720.1, NM_001406721.1); c.424+2328C>A (NM_001406722.1); short protein forms A627E.
Identifiers: ClinVar variation 2681820 (VCV002681820.1), dbSNP rs587782055, ClinGen allele CA387766661.